The following is an entry in ClinVar:

NM_004656.4(BAP1):c.457C>A (p.Pro153Thr)

Gene: BAP1 (BRCA1 associated deubiquitinase 1; minus strand). Cytogenetic location: 3p21.1.
Variant type: single nucleotide variant.
Coding change: c.457C>A on transcript NM_004656.4 (MANE Select); coding-DNA position 457, C replaced by A.
Protein change: p.Pro153Thr; replaces proline 153 with threonine.
Molecular consequence: missense variant.
Genome position (GRCh38, 1-based): chr3:52,407,297, G>T on the plus strand (C>A on the coding strand, the complement: BAP1 is on the minus strand). VCF-style: chr3-52407297-G-T. GRCh37 (hg19) VCF-style: chr3-52441313-G-T.
Other names: c.457C>A, p.Pro153Thr (NM_001410772.1); short protein forms P153T.
Identifiers: ClinVar variation 2450441 (VCV002450441.2), dbSNP rs2153227864, ClinGen allele CA353110345.

ClinVar aggregate classification (germline): Uncertain significance (1 of 4 stars; one submission).

Conditions:
Hereditary cancer-predisposing syndrome. Also called: Neoplastic Syndromes, Hereditary; Tumor predisposition; Hereditary neoplastic syndrome; Hereditary Cancer Syndrome. Identifiers: Orphanet 140162, MedGen C0027672, MeSH D009386, MONDO:0015356.

Submission:

Ambry Genetics
Classification: Uncertain significance for Hereditary cancer-predisposing syndrome. Last evaluated: 2023-02-15. Review status: criteria provided, single submitter. Criteria: Ambry Variant Classification Scheme 2023. Collection method: clinical testing. Allele origin: germline.
Comment: The p.P153T variant (also known as c.457C>A), located in coding exon 7 of the BAP1 gene, results from a C to A substitution at nucleotide position 457. The proline at codon 153 is replaced by threonine, an amino acid with highly similar properties. This amino acid position is conserved. In addition, this alteration is predicted to be tolerated by in silico analysis. Since supporting evidence is limited at this time, the clinical significance of this alteration remains unclear.